The following is an entry in ClinVar:

ClinVar aggregate classification (germline): Uncertain significance (1 of 4 stars; one submission).

gnomAD v4.1: 11 of 1,610,610 alleles (0.00068%); highest among the groups gnomAD compares: Non-Finnish European, 0.00093%; no homozygotes.

Submission:

Women's Health and Genetics/Laboratory Corporation of America, LabCorp
Classification: Uncertain significance. Last evaluated: 2025-10-01. Review status: criteria provided, single submitter. Criteria: LabCorp Variant Classification Summary - May 2015. Collection method: clinical testing. Allele origin: germline.
Comment: Variant summary: CD96 c.764A>G (p.Lys255Arg) results in a conservative amino acid change in the encoded protein sequence. Algorithms developed to predict the effect of missense changes on protein structure and function all suggest that this variant is likely to be tolerated. The variant was absent in 251402 control chromosomes. The available data on variant occurrences in the general population are insufficient to allow any conclusion about variant significance. To our knowledge, no occurrence of c.764A>G in individuals affected with CD96-related conditions and no experimental evidence demonstrating its impact on protein function have been reported. No submitters have cited clinical-significance assessments for this variant to ClinVar. Based on the evidence outlined above, the variant was classified as uncertain significance.

NM_005816.5(CD96):c.716A>G (p.Lys239Arg)

Gene: CD96 (CD96 molecule; plus strand). Cytogenetic location: 3q13.13.
Variant type: single nucleotide variant.
Coding change: c.716A>G on transcript NM_005816.5 (MANE Select); coding-DNA position 716, A replaced by G.
Protein change: p.Lys239Arg; replaces lysine 239 with arginine.
Molecular consequence: missense variant. On other transcripts: non-coding transcript variant (1).
Genome position (GRCh38, 1-based): chr3:111,579,199, A>G. VCF-style: chr3-111579199-A-G. GRCh37 (hg19) VCF-style: chr3-111298046-A-G.
Other names: c.716A>G, p.Lys239Arg (NM_001318889.2, NM_001410800.1); c.764A>G, p.Lys255Arg (NM_198196.3); short protein forms K239R, K255R.
Identifiers: ClinVar variation 4687635 (VCV004687635.1).
Genomic context (GRCh38, chr3:111,579,199, plus strand): 5'-CAGTCCAAATCTTCGATGATGGGCGGAAGTTCTCTTGCCACATTAGAGTCGGTCCTAACA[A>G]AATCTTGAGGAGCTCCACCACAGTCAAGGTTTTTGGTAAGGGCTTTTGTTCTACAGACTC-3'
Protein context (NP_005807.1, residues 229-249): FSCHIRVGPN[Lys239Arg]ILRSSTTVKV